The following is an entry in ClinVar:

ClinVar aggregate classification (germline): Uncertain significance (1 of 4 stars; one submission).

Conditions:
3-Methylglutaconic aciduria type 2 (BTHS). Also called: Barth syndrome; CARDIOSKELETAL MYOPATHY WITH NEUTROPENIA AND ABNORMAL MITOCHONDRIA. Identifiers: Orphanet 111, MedGen C0574083, MONDO:0010543, OMIM 302060.

Submission:

Labcorp Genetics (formerly Invitae), Labcorp
Classification: Uncertain significance for 3-Methylglutaconic aciduria type 2. Last evaluated: 2021-08-31. Review status: criteria provided, single submitter. Criteria: Invitae Variant Classification Sherloc (09022015). Collection method: clinical testing. Allele origin: germline.
Comment: This variant results in a copy number gain of the genomic region encompassing exon(s) 6-11 of the TAZ gene. This region includes the termination codon of the gene. This copy number gain extends beyond the assayed region for this gene and therefore may encompass additional genes. As the precise location of this event is unknown, it may be in tandem or it may be located elsewhere in the genome. In summary, the available evidence is currently insufficient to determine the role of this variant in disease. Therefore, it has been classified as a Variant of Uncertain Significance. Experimental studies and prediction algorithms are not available or were not evaluated, and the functional significance of this variant is currently unknown. This variant has not been reported in the literature in individuals affected with TAZ-related conditions.

NC_000023.10:g.(?_153647862)_(153649343_?)dup

Gene: TAFAZZIN (tafazzin, phospholipid-lysophospholipid transacylase; plus strand). Cytogenetic location: Xq28.
Variant type: Duplication.
Identifiers: ClinVar variation 2422369 (VCV002422369.3).